The following is an entry in ClinVar:

NM_022124.6(CDH23):c.1053C>T (p.Ser351=)

Gene: CDH23 (cadherin related 23; plus strand). Cytogenetic location: 10q22.1.
Variant type: single nucleotide variant.
Coding change: c.1053C>T on transcript NM_022124.6 (MANE Select); coding-DNA position 1053, C replaced by T.
Protein change: p.Ser351=; no amino-acid change (serine 351 retained).
Molecular consequence: synonymous variant.
Genome position (GRCh38, 1-based): chr10:71,617,312, C>T. VCF-style: chr10-71617312-C-T. GRCh37 (hg19) VCF-style: chr10-73377069-C-T.
Other names: p.S351S:TCC>TCT; p.Ser351=; c.1053C>T, p.Ser351= (NM_001171930.2, NM_001171931.2, NM_001171932.2 and 1 more transcripts).
Identifiers: ClinVar variation 44113 (VCV000044113.21), dbSNP rs7903475, ClinGen allele CA133604.

ClinVar aggregate classification (germline): Benign. Review status: criteria provided, multiple submitters, no conflicts (2 of 4 stars). 10 submissions from 9 submitters: Benign (9). 1 of the submissions does not count toward it. Last evaluated 2026-02-04.

Conditions:
Usher syndrome type 1 (USH1). Also called: RETINITIS PIGMENTOSA AND CONGENITAL DEAFNESS. Identifiers: Orphanet 231169, Orphanet 886, MedGen C1568247, MONDO:0010168, OMIM 276900.
Usher syndrome type 1D (USH1D). Also called: USHER SYNDROME, TYPE ID. Identifiers: Orphanet 231169, Orphanet 886, MedGen C1832845, MONDO:0010984, OMIM 601067.
Autosomal recessive nonsyndromic hearing loss 12. Also called: DEAFNESS, AUTOSOMAL RECESSIVE 12. Identifiers: Orphanet 90636, MedGen C1832394, MONDO:0011067, OMIM 601386.

Allele frequency attached by ClinVar (database versions not stated): gnomAD exomes 0.00721 and 0.01823; ExAC 0.02177; gnomAD 0.06973 and 0.07481; 1000 Genomes Project 0.07348; ESP Exome Variant Server 0.07558; TOPMed 0.07843; 1000 Genomes Project 30x 0.07886.
gnomAD v4.1: 21,673 of 1,613,836 alleles (1.3%); highest among the groups gnomAD compares: African/African-American, 24%; 2,278 homozygotes.

Submissions (10):

Labcorp Genetics (formerly Invitae), Labcorp
Classification: Benign. Last evaluated: 2026-02-04. Review status: criteria provided, single submitter. Criteria: Invitae Variant Classification Sherloc (09022015). Collection method: clinical testing. Allele origin: germline.

Women's Health and Genetics/Laboratory Corporation of America, LabCorp
Classification: Benign. Last evaluated: 2026-01-23. Review status: criteria provided, single submitter. Criteria: LabCorp Variant Classification Summary - May 2015. Collection method: clinical testing. Allele origin: germline.

Mayo Clinic Laboratories, Mayo Clinic
Classification: Benign. Last evaluated: 2022-04-17. Review status: criteria provided, single submitter. Criteria: ACMG Guidelines, 2015. Collection method: clinical testing. Allele origin: germline. Observed: 11 variant alleles.

Athena Diagnostics
Classification: Benign. Last evaluated: 2018-05-23. Review status: criteria provided, single submitter. Criteria: Athena Diagnostics Criteria. Collection method: clinical testing. Allele origin: germline.

Illumina Laboratory Services, Illumina
Classification: Benign for Autosomal recessive nonsyndromic hearing loss 12. Last evaluated: 2018-01-12. Review status: criteria provided, single submitter. Criteria: ICSL Variant Classification Criteria 13 December 2019. Collection method: clinical testing. Allele origin: germline.
Comment: This variant was observed in the ICSL laboratory as part of a predisposition screen in an ostensibly healthy population. It had not been previously curated by ICSL or reported in the Human Gene Mutation Database (HGMD: prior to June 1st, 2018), and was therefore a candidate for classification through an automated scoring system. Utilizing variant allele frequency, disease prevalence and penetrance estimates, and inheritance mode, an automated score was calculated to assess if this variant is too frequent to cause the disease. Based on the score and internal cut-off values, a variant classified as benign is not then subjected to further curation. The score for this variant resulted in a classification of benign for this disease.

Illumina Laboratory Services, Illumina
Classification: Benign for Usher syndrome type 1D. Last evaluated: 2018-01-12. Review status: criteria provided, single submitter. Criteria: ICSL Variant Classification Criteria 13 December 2019. Collection method: clinical testing. Allele origin: germline.
Comment: the same text as in the submission from Illumina Laboratory Services, Illumina above.

GeneDx
Classification: Benign. Last evaluated: 2013-04-30. Review status: criteria provided, single submitter. Criteria: GeneDx Variant Classification (06012015). Collection method: clinical testing. Allele origin: germline. Affected: yes.
Comment: This variant is considered likely benign or benign based on one or more of the following criteria: it is a conservative change, it occurs at a poorly conserved position in the protein, it is predicted to be benign by multiple in silico algorithms, and/or has population frequency not consistent with disease.

Laboratory for Molecular Medicine, Mass General Brigham Personalized Medicine
Classification: Benign. Last evaluated: 2013-01-29. Review status: criteria provided, single submitter. Criteria: LMM Criteria. Collection method: clinical testing. Allele origin: germline. Observed: 93 variant alleles.
Comment: Ser351Ser in Exon 11A of CDH23: This variant is not expected to have clinical si gnificance because it does not alter an amino acid residue, is not located withi n the splice consensus sequence, and has been identified in 22.1% (967/4374) of African American chromosomes from a broad population by the NHLBI Exome Sequenci ng Project (dbSNP rs7903475).

Breakthrough Genomics
Classification: Benign. Review status: criteria provided, single submitter. Criteria: ACMG Guidelines, 2015. Collection method: not provided. Allele origin: germline. Inheritance: Autosomal recessive inheritance. Affected: yes.

Natera, Inc.
Classification: Benign for Usher syndrome type 1. Last evaluated: 2020-09-16. Review status: no assertion criteria provided. Collection method: clinical testing. Allele origin: germline. Not counted in ClinVar's aggregate classification.

Literature cited by the submitters: PubMed 18429043 (cited by Laboratory for Molecular Medicine, Mass General Brigham Personalized Medicine).